The following is an entry in ClinVar:

NM_000481.4(AMT):c.434A>T (p.Asn145Ile)

Gene: AMT (aminomethyltransferase; minus strand). Cytogenetic location: 3p21.31.
Variant type: single nucleotide variant.
Coding change: c.434A>T on transcript NM_000481.4 (MANE Select); coding-DNA position 434, A replaced by T.
Protein change: p.Asn145Ile; replaces asparagine 145 with isoleucine.
Molecular consequence: missense variant. On other transcripts: non-coding transcript variant (1), intron variant (1).
Genome position (GRCh38, 1-based): chr3:49,420,248, T>A on the plus strand (A>T on the coding strand, the complement: AMT is on the minus strand). VCF-style: chr3-49420248-T-A. GRCh37 (hg19) VCF-style: chr3-49457681-T-A.
Other names: c.266A>T, p.Asn89Ile (NM_001164711.2); c.434A>T, p.Asn145Ile (NM_001164712.2); c.340-460A>T (NM_001164710.2); short protein forms N145I, N89I.
Identifiers: ClinVar variation 56231 (VCV000056231.7), dbSNP rs386833682, ClinGen allele CA263573.

ClinVar aggregate classification (germline): Likely pathogenic. Review status: criteria provided, multiple submitters, no conflicts (2 of 4 stars). 5 submissions from 5 submitters: Likely pathogenic (4). 1 of the submissions does not count toward it. Last evaluated 2025-02-18.

Conditions:
Glycine encephalopathy 2 (GCE2). Identifiers: MedGen C5830559, MONDO:0958192, OMIM 620398.
Glycine encephalopathy 1 (GCE1). Identifiers: MedGen CN376801, MONDO:0958179, OMIM 605899.
Glycine encephalopathy. Also called: Nonketotic hyperglycinemia; Non-ketotic hyperglycinemia. Identifiers: Orphanet 407, MedGen C0751748, MONDO:0011612, HP:0008288.

Submissions (5):

Myriad Genetics, Inc.
Classification: Likely pathogenic for Glycine encephalopathy 2. Last evaluated: 2025-02-18. Review status: criteria provided, single submitter. Criteria: Myriad Autosomal Dominant, Autosomal Recessive and X-Linked Classification Criteria (2023). Collection method: clinical testing. Allele origin: unknown.
Comment: NM_000481.3(AMT):c.434A>T(N145I) is a missense variant classified as likely pathogenic in the context of glycine encephalopathy, AMT-related. N145I has been observed in cases with relevant disease (PMID: 11286506, 27362913, 31395954, 33791923). Relevant functional assessments of this variant are not available in the literature. N145I has been observed in referenced population frequency databases. In summary, NM_000481.3(AMT):c.434A>T(N145I) is a missense variant that has been observed more frequently in cases with the relevant disease than in healthy populations. Please note: this variant was assessed in the context of healthy population screening.

Fulgent Genetics
Classification: Likely pathogenic for Glycine encephalopathy 2. Last evaluated: 2024-06-05. Review status: criteria provided, single submitter. Criteria: ACMG Guidelines, 2015. Collection method: clinical testing. Allele origin: germline.

Women's Health and Genetics/Laboratory Corporation of America, LabCorp
Classification: Likely pathogenic for Glycine encephalopathy. Last evaluated: 2024-05-31. Review status: criteria provided, single submitter. Criteria: LabCorp Variant Classification Summary - May 2015. Collection method: clinical testing. Allele origin: germline.
Comment: Variant summary: AMT c.434A>T (p.Asn145Ile) results in a non-conservative amino acid change located in the aminomethyltransferase, folate-binding domain (IPR006222) of the encoded protein sequence. Five of five in-silico tools predict a damaging effect of the variant on protein function. The variant allele was found at a frequency of 4e-06 in 251492 control chromosomes. c.434A>T has been reported in the literature in in the homozygous and compound heterozygous states in multiple individuals affected with Glycine Encephalopathy (Non-Ketotic Hyperglycinemia) (e.g. Toone_2001, Bayrak_2021, Coughlin_2017). These data indicate that the variant is very likely to be associated with disease. To our knowledge, no experimental evidence demonstrating an impact on protein function has been reported. The following publications have been ascertained in the context of this evaluation (PMID: 33791923, 27362913, 11286506, 31395954). ClinVar contains an entry for this variant (Variation ID: 56231). Based on the evidence outlined above, the variant was classified as likely pathogenic.

Baylor Genetics
Classification: Likely pathogenic for Glycine encephalopathy 1. Last evaluated: 2024-03-27. Review status: criteria provided, single submitter. Criteria: ACMG Guidelines, 2015. Collection method: clinical testing. Allele origin: unknown.

Juha Muilu Group; Institute for Molecular Medicine Finland (FIMM)
Classification: Likely pathogenic for Non-ketotic hyperglycinemia. Review status: no assertion criteria provided. Collection method: not provided. Allele origin: unknown. Not counted in ClinVar's aggregate classification.
Comment: FinDis database variant: This variant was not found or characterized by our laboratory, data were collected from public sources: see reference
ClinVar note: Converted during submission from probable-pathogenic to Likely pathogenic.

Literature cited by the submitters: PubMed 11286506 (cited by Myriad Genetics, Inc. and Women's Health and Genetics/Laboratory Corporation of America, LabCorp); PubMed 27362913 (cited by Myriad Genetics, Inc. and Women's Health and Genetics/Laboratory Corporation of America, LabCorp); PubMed 31395954 (cited by Myriad Genetics, Inc. and Women's Health and Genetics/Laboratory Corporation of America, LabCorp); PubMed 33791923 (cited by Myriad Genetics, Inc. and Women's Health and Genetics/Laboratory Corporation of America, LabCorp).